The following is an entry in ClinVar:

NM_001393769.1(MED12L):c.2380A>G (p.Ser794Gly)

Genes: MED12L (mediator complex subunit 12L; plus strand), P2RY12 (purinergic receptor P2Y12; minus strand). Cytogenetic location: 3q25.1.
Variant type: single nucleotide variant.
Coding change: c.2380A>G on transcript NM_001393769.1 (MANE Select); coding-DNA position 2380, A replaced by G.
Protein change: p.Ser794Gly; replaces serine 794 with glycine.
Molecular consequence: missense variant. On other transcripts: intron variant (1).
Genome position (GRCh38, 1-based): chr3:151,350,188, A>G. VCF-style: chr3-151350188-A-G. GRCh37 (hg19) VCF-style: chr3-151067976-A-G.
Other names: c.2275A>G, p.Ser759Gly (NM_053002.6); c.-179-9428T>C (NM_022788.5); short protein forms S759G, S794G.
Identifiers: ClinVar variation 4812915 (VCV004812915.2).

ClinVar aggregate classification (germline): Uncertain significance (1 of 4 stars; one submission).

Submission:

GeneDx
Classification: Uncertain significance. Last evaluated: 2026-03-06. Review status: criteria provided, single submitter. Criteria: GeneDx Variant Classification Process June 2021. Collection method: clinical testing. Allele origin: germline. Affected: yes.
Comment: Not observed at significant frequency in large population cohorts (gnomAD); In silico analysis suggests that this missense variant does not alter protein structure/function; Has not been previously published as pathogenic or benign to our knowledge